The following is an entry in ClinVar:

ClinVar aggregate classification (germline): Uncertain significance (1 of 4 stars; one submission).

Conditions:
Amyotrophic lateral sclerosis type 4 (ALS4). Also called: AMYOTROPHIC LATERAL SCLEROSIS 4, JUVENILE; NEURONOPATHY, DISTAL HEREDITARY MOTOR, WITH PYRAMIDAL FEATURES. Identifiers: Orphanet 357043, MedGen C1865409, MONDO:0011223, OMIM 602433.
Spinocerebellar ataxia, autosomal recessive, with axonal neuropathy 2 (SCAN2). Also called: ATAXIA-OCULOMOTOR APRAXIA 2; Ataxia with Oculomotor Apraxia Type 2; Ataxia-ocular apraxia-2; Ataxia with Oculomotor Apraxia. Identifiers: Orphanet 64753, MedGen C1853761, MONDO:0018996, OMIM 606002.

Allele frequency attached by ClinVar (database versions not stated): gnomAD exomes below 0.00001; TOPMed 0.00001.
gnomAD v4.1: 5 of 1,614,116 alleles (0.00031%); highest among the groups gnomAD compares: South Asian, 0.0011%; no homozygotes.

Submission:

Labcorp Genetics (formerly Invitae), Labcorp
Classification: Uncertain significance for Amyotrophic lateral sclerosis type 4; Spinocerebellar ataxia, autosomal recessive, with axonal neuropathy 2. Last evaluated: 2023-09-22. Review status: criteria provided, single submitter. Criteria: Invitae Variant Classification Sherloc (09022015). Collection method: clinical testing. Allele origin: germline.
Comment: This sequence change replaces alanine, which is neutral and non-polar, with valine, which is neutral and non-polar, at codon 499 of the SETX protein (p.Ala499Val). This variant is not present in population databases (gnomAD no frequency). This variant has not been reported in the literature in individuals affected with SETX-related conditions. Advanced modeling of protein sequence and biophysical properties (such as structural, functional, and spatial information, amino acid conservation, physicochemical variation, residue mobility, and thermodynamic stability) performed at Invitae indicates that this missense variant is not expected to disrupt SETX protein function. In summary, the available evidence is currently insufficient to determine the role of this variant in disease. Therefore, it has been classified as a Variant of Uncertain Significance.

NM_015046.7(SETX):c.1496C>T (p.Ala499Val)

Gene: SETX (senataxin; minus strand). Cytogenetic location: 9q34.13.
Variant type: single nucleotide variant.
Coding change: c.1496C>T on transcript NM_015046.7 (MANE Select); coding-DNA position 1496, C replaced by T.
Protein change: p.Ala499Val; replaces alanine 499 with valine.
Molecular consequence: missense variant.
Genome position (GRCh38, 1-based): chr9:132,330,102, G>A on the plus strand (C>T on the coding strand, the complement: SETX is on the minus strand). VCF-style: chr9-132330102-G-A. GRCh37 (hg19) VCF-style: chr9-135205489-G-A.
Other names: c.1496C>T, p.Ala499Val (NM_001351527.2, NM_001351528.2); short protein forms A499V.
Identifiers: ClinVar variation 2923333 (VCV002923333.3), dbSNP rs1042089056, ClinGen allele CA200814081.